The following is an entry in ClinVar:

NM_012414.4(RAB3GAP2):c.268G>A (p.Val90Met)

Gene: RAB3GAP2 (RAB3 GTPase activating non-catalytic protein subunit 2; minus strand). Cytogenetic location: 1q41.
Variant type: single nucleotide variant.
Coding change: c.268G>A on transcript NM_012414.4 (MANE Select); coding-DNA position 268, G replaced by A.
Protein change: p.Val90Met; replaces valine 90 with methionine.
Molecular consequence: missense variant.
Genome position (GRCh38, 1-based): chr1:220,213,892, C>T on the plus strand (G>A on the coding strand, the complement: RAB3GAP2 is on the minus strand). VCF-style: chr1-220213892-C-T. GRCh37 (hg19) VCF-style: chr1-220387234-C-T.
Other names: short protein forms V90M.
Identifiers: ClinVar variation 4819066 (VCV004819066.1).

ClinVar aggregate classification (germline): Uncertain significance (1 of 4 stars; one submission).

Conditions:
Warburg micro syndrome 2 (WARBM2). Also called: MICRO SYNDROME 2. Identifiers: Orphanet 2510, MedGen C3280214, MONDO:0013641, OMIM 614225.

gnomAD v4.1: 3 of 1,613,448 alleles (0.00019%); highest among the groups gnomAD compares: Middle Eastern, 0.017%; no homozygotes.

Submission:

Victorian Clinical Genetics Services, Murdoch Childrens Research Institute
Classification: Uncertain significance for Warburg micro syndrome 2. Last evaluated: 2026-01-13. Review status: criteria provided, single submitter. Criteria: ACMG Guidelines, 2015. Collection method: clinical testing. Allele origin: germline. Affected: yes.
Comment: This variant is classified as VUS-3B. Evidence in support of pathogenic classification: Variant is present in gnomAD <0.01 for a recessive condition (v4: 3 heterozygote(s), 0 homozygote(s)). Evidence in support of benign classification: Missense variant predicted to be tolerated by in silico tool(s) or not conserved in placental mammals with a minor amino acid change. Additional information: Variant is predicted to result in a missense amino acid change from Val to Met; This variant is homozygous; This gene is associated with autosomal recessive disease; Alternative amino acid change(s) at the same position are present in gnomAD (highest allele count: v4: 2 heterozygote(s), 0 homozygote(s)); This variant has no previous evidence of pathogenicity; No published evidence of segregation with disease has been identified for this variant; No published functional evidence has been identified for this variant; No comparable missense variants have previous evidence for pathogenicity; Variant is located in the annotated Rab3 GTPase-activating protein regulatory subunit N-terminus domain (DECIPHER); Loss of function is a known mechanism of disease in this gene and is associated with Warburg micro syndrome 2 (MIM#614225).